The following is an entry in ClinVar:

ClinVar aggregate classification (germline): Uncertain significance (1 of 4 stars; one submission).

Conditions:
Gastrointestinal stromal tumor. Also called: Gastrointestinal stroma tumor; Gastrointestinal stromal tumor, somatic. Identifiers: Orphanet 44890, MedGen C0238198, MeSH D046152, MONDO:0011719, OMIM 606764, HP:0100723.

Submission:

Labcorp Genetics (formerly Invitae), Labcorp
Classification: Uncertain significance for Gastrointestinal stromal tumor. Last evaluated: 2021-11-14. Review status: criteria provided, single submitter. Criteria: Invitae Variant Classification Sherloc (09022015). Collection method: clinical testing. Allele origin: germline.
Comment: In summary, the available evidence is currently insufficient to determine the role of this variant in disease. Therefore, it has been classified as a Variant of Uncertain Significance. Algorithms developed to predict the effect of missense changes on protein structure and function output the following: SIFT: "Tolerated"; PolyPhen-2: "Benign"; Align-GVGD: "Class C0". The valine amino acid residue is found in multiple mammalian species, which suggests that this missense change does not adversely affect protein function. This variant has not been reported in the literature in individuals affected with PDGFRA-related conditions. This variant is not present in population databases (gnomAD no frequency). This sequence change replaces alanine, which is neutral and non-polar, with valine, which is neutral and non-polar, at codon 509 of the PDGFRA protein (p.Ala509Val).

NM_006206.6(PDGFRA):c.1526C>T (p.Ala509Val)

Gene: PDGFRA (platelet derived growth factor receptor alpha; plus strand). Cytogenetic location: 4q12.
Variant type: single nucleotide variant.
Coding change: c.1526C>T on transcript NM_006206.6 (MANE Select); coding-DNA position 1526, C replaced by T.
Protein change: p.Ala509Val; replaces alanine 509 with valine.
Molecular consequence: missense variant.
Genome position (GRCh38, 1-based): chr4:54,273,698, C>T. VCF-style: chr4-54273698-C-T. GRCh37 (hg19) VCF-style: chr4-55139865-C-T.
Other names: c.1526C>T, p.Ala509Val (NM_001347827.2, NM_001347829.2); c.1601C>T, p.Ala534Val (NM_001347828.2); c.1565C>T, p.Ala522Val (NM_001347830.2); short protein forms A522V, A534V, A509V.
Identifiers: ClinVar variation 1363127 (VCV001363127.6), dbSNP rs2110293083, ClinGen allele CA356892747.